The following is an entry in ClinVar:

NM_002890.3(RASA1):c.679G>T (p.Val227Phe)

Genes: CCNH (cyclin H; minus strand), RASA1 (RAS p21 protein activator 1; plus strand). Cytogenetic location: 5q14.3.
Variant type: single nucleotide variant.
Coding change: c.679G>T on transcript NM_002890.3 (MANE Select); coding-DNA position 679, G replaced by T.
Protein change: p.Val227Phe; replaces valine 227 with phenylalanine.
Molecular consequence: missense variant. On other transcripts: intron variant (1).
Genome position (GRCh38, 1-based): chr5:87,331,487, G>T. VCF-style: chr5-87331487-G-T. GRCh37 (hg19) VCF-style: chr5-86627304-G-T.
Other names: c.148G>T, p.Val50Phe (NM_022650.3); c.934-18692C>A (NM_001364075.2); short protein forms V227F, V50F.
Identifiers: ClinVar variation 2918070 (VCV002918070.3), dbSNP rs2531187741, ClinGen allele CA360376513.

ClinVar aggregate classification (germline): Uncertain significance (1 of 4 stars; one submission).

Conditions:
Capillary malformation-arteriovenous malformation syndrome. Also called: Capillary malformation-arteriovenous malformation. Identifiers: Orphanet 137667, MedGen C1842180, MONDO:0012016.

Submission:

Labcorp Genetics (formerly Invitae), Labcorp
Classification: Uncertain significance for Capillary malformation-arteriovenous malformation syndrome. Last evaluated: 2023-09-11. Review status: criteria provided, single submitter. Criteria: Invitae Variant Classification Sherloc (09022015). Collection method: clinical testing. Allele origin: germline.
Comment: An algorithm developed to predict the effect of missense changes on protein structure and function (PolyPhen-2) suggests that this variant is likely to be tolerated. This variant has not been reported in the literature in individuals affected with RASA1-related conditions. This variant is not present in population databases (gnomAD no frequency). This sequence change replaces valine, which is neutral and non-polar, with phenylalanine, which is neutral and non-polar, at codon 227 of the RASA1 protein (p.Val227Phe). In summary, the available evidence is currently insufficient to determine the role of this variant in disease. Therefore, it has been classified as a Variant of Uncertain Significance.